The following is an entry in ClinVar:

ClinVar aggregate classification (germline): Uncertain significance. Review status: criteria provided, multiple submitters, no conflicts (2 of 4 stars). 3 submissions from 3 submitters: Uncertain significance (3). Last evaluated 2025-08-29.

Conditions:
Cardiovascular phenotype. Identifiers: MedGen CN230736.
Arrhythmogenic right ventricular dysplasia 8 (ARVD8). Also called: ARRHYTHMOGENIC RIGHT VENTRICULAR DYSPLASIA, FAMILIAL, 8; ARRHYTHMOGENIC RIGHT VENTRICULAR CARDIOMYOPATHY 8; Arrhythmogenic Right Ventricular Dysplasia/Cardiomyopathy 8. Identifiers: MedGen C1843896, MONDO:0011831, OMIM 607450.
Arrhythmogenic cardiomyopathy with wooly hair and keratoderma. Also called: Dilated cardiomyopathy with woolly hair and keratoderma; Arrhythmogenic cardiomyopathy with woolly hair and keratoderma; PALMOPLANTAR KERATODERMA WITH LEFT VENTRICULAR CARDIOMYOPATHY AND WOOLLY HAIR; Carvajal syndrome. Identifiers: Orphanet 65282, MedGen C1854063, MONDO:0011581, OMIM 605676.

Submissions (3):

Labcorp Genetics (formerly Invitae), Labcorp
Classification: Uncertain significance for Arrhythmogenic cardiomyopathy with wooly hair and keratoderma; Arrhythmogenic right ventricular dysplasia 8. Last evaluated: 2025-08-29. Review status: criteria provided, single submitter. Criteria: Invitae Variant Classification Sherloc (09022015). Collection method: clinical testing. Allele origin: germline.
Comment: This sequence change replaces lysine, which is basic and polar, with asparagine, which is neutral and polar, at codon 1185 of the DSP protein (p.Lys1185Asn). This variant is not present in population databases (gnomAD no frequency). This variant has not been reported in the literature in individuals affected with DSP-related conditions. ClinVar contains an entry for this variant (Variation ID: 1947715). An algorithm developed to predict the effect of missense changes on protein structure and function (PolyPhen-2) suggests that this variant is likely to be disruptive. In summary, the available evidence is currently insufficient to determine the role of this variant in disease. Therefore, it has been classified as a Variant of Uncertain Significance.

Molecular Diagnostic Laboratory for Inherited Cardiovascular Disease, Montreal Heart Institute
Classification: Uncertain significance for Cardiovascular phenotype. Last evaluated: 2025-02-17. Review status: criteria provided, single submitter. Criteria: ACMG Guidelines, 2015. Collection method: clinical testing. Allele origin: germline. Affected: yes.

All of Us Research Program, National Institutes of Health
Classification: Uncertain significance for Arrhythmogenic cardiomyopathy with wooly hair and keratoderma. Last evaluated: 2023-12-13. Review status: criteria provided, single submitter. Criteria: ACMG Guidelines, 2015. Collection method: clinical testing. Allele origin: germline. Inheritance: Autosomal dominant inheritance. Observed: 1 variant allele, 1 heterozygote.
Comment: This missense variant replaces lysine with asparagine at codon 1185 of the DSP protein. Computational prediction suggests that this variant may not impact protein structure and function (internally defined REVEL score threshold <= 0.5, PMID: 27666373). To our knowledge, functional studies have not been reported for this variant. This variant has not been reported in individuals affected with DSP-related disorders in the literature. This variant has not been identified in the general population by the Genome Aggregation Database (gnomAD). The available evidence is insufficient to determine the role of this variant in disease conclusively. Therefore, this variant is classified as a Variant of Uncertain Significance.

This study involves interpretation of variants in research participants for the purpose of population health screening. Participant phenotype was not available at the time of variant classification. Additional details can be found in publication PMID: 35346344, PMCID: PMC8962531

NM_004415.4(DSP):c.3555G>C (p.Lys1185Asn)

Gene: DSP (desmoplakin; plus strand). Cytogenetic location: 6p24.3.
Variant type: single nucleotide variant.
Coding change: c.3555G>C on transcript NM_004415.4 (MANE Select); coding-DNA position 3555, G replaced by C.
Protein change: p.Lys1185Asn; replaces lysine 1185 with asparagine.
Molecular consequence: missense variant.
Genome position (GRCh38, 1-based): chr6:7,579,745, G>C. VCF-style: chr6-7579745-G-C. GRCh37 (hg19) VCF-style: chr6-7579978-G-C.
Other names: c.3555G>C, p.Lys1185Asn (NM_001008844.3, NM_001319034.2); c.3555G>C (NM_004415.3); short protein forms K1185N.
Identifiers: ClinVar variation 1947715 (VCV001947715.7), dbSNP rs1319901978, ClinGen allele CA362684325.
Genomic context (GRCh38, chr6:7,579,745, plus strand): 5'-GGAGAAGGAGTACGAGATTGAAAGGTTGAGGGTTCTACTGCAGGAAGAAGGCACCCGGAA[G>C]AGAGAATATGAAAATGAGCTGGCAAAGGTAAGAAACCACTATAATGAGGAGATGAGTAAT-3'
Protein context (NP_004406.2, residues 1175-1195): RVLLQEEGTR[Lys1185Asn]REYENELAKV